The following is an entry in ClinVar:

NM_000142.5(FGFR3):c.616-6G>A

Gene: FGFR3 (fibroblast growth factor receptor 3; plus strand). Cytogenetic location: 4p16.3.
Variant type: single nucleotide variant.
Coding change: c.616-6G>A on transcript NM_000142.5 (MANE Select); 6 bases into the intron before coding-DNA position 616, G replaced by A.
Molecular consequence: intron variant.
Genome position (GRCh38, 1-based): chr4:1,801,614, G>A. VCF-style: chr4-1801614-G-A. GRCh37 (hg19) VCF-style: chr4-1803341-G-A.
Other names: c.616-6G>A (NM_001163213.2, NM_001354809.2, NM_001354810.2 and 1 more transcripts).
Identifiers: ClinVar variation 255344 (VCV000255344.14), dbSNP rs17883400, ClinGen allele CA2809904.

ClinVar aggregate classification (germline): Conflicting classifications of pathogenicity. Review status: criteria provided, conflicting classifications (1 of 4 stars). 6 submissions from 6 submitters: Uncertain significance (2); Likely benign (4). Last evaluated 2025-11-13.

Conditions:
Inborn genetic diseases. Identifiers: MedGen C0950123, MeSH D030342.
Achondroplasia (ACH). Also called: Achondroplastic dwarfism. Identifiers: Orphanet 15, MedGen C0001080, MONDO:0007037, OMIM 100800. Disease mechanism: gain of function.

Allele frequency attached by ClinVar (database versions not stated): gnomAD 0.00014; ESP Exome Variant Server 0.00015; 1000 Genomes Project 30x 0.00016; 1000 Genomes Project 0.00020; gnomAD exomes 0.00023 and 0.00025; ExAC 0.00025; TOPMed 0.00025.
gnomAD v4.1: 390 of 1,607,594 alleles (0.024%); highest among the groups gnomAD compares: Admixed American, 0.054%; no homozygotes.

Submissions (6):

Ambry Genetics
Classification: Uncertain significance for Inborn genetic diseases. Last evaluated: 2025-11-13. Review status: criteria provided, single submitter. Criteria: Ambry Variant Classification Scheme 2023. Collection method: clinical testing. Allele origin: germline.
Comment: The c.616-6G>A intronic alteration consists of a G to A substitution 6 nucleotides before coding exon 5 in the FGFR3 gene. Based on data from gnomAD, the A allele has an overall frequency of 0.021% (55/265348) total alleles studied. The highest observed frequency was 0.058% (4/6852) of Other alleles. Based on insufficient or conflicting evidence, the clinical significance of this alteration remains unclear.

Labcorp Genetics (formerly Invitae), Labcorp
Classification: Likely benign. Last evaluated: 2025-06-04. Review status: criteria provided, single submitter. Criteria: Invitae Variant Classification Sherloc (09022015). Collection method: clinical testing. Allele origin: germline.

Blueprint Genetics
Classification: Likely benign. Last evaluated: 2023-12-13. Review status: criteria provided, single submitter. Criteria: ACMG Guidelines, 2015. Collection method: clinical testing. Allele origin: germline.

GeneDx
Classification: Likely benign. Last evaluated: 2020-12-16. Review status: criteria provided, single submitter. Criteria: GeneDx Variant Classification Process June 2021. Collection method: clinical testing. Allele origin: germline. Affected: yes.

Baylor Genetics
Classification: Uncertain significance for Achondroplasia. Last evaluated: 2018-06-06. Review status: criteria provided, single submitter. Criteria: ACMG Guidelines, 2015. Collection method: clinical testing. Allele origin: maternal. Affected: yes.
Comment: This variant was determined to be of uncertain significance according to ACMG Guidelines, 2015 [PMID:25741868].

PreventionGenetics, part of Exact Sciences
Classification: Likely benign. Review status: criteria provided, single submitter. Criteria: ACMG Guidelines, 2015. Collection method: clinical testing. Allele origin: germline.